The following is an entry in ClinVar:

ClinVar aggregate classification (germline): Uncertain significance (1 of 4 stars; one submission).

Submission:

Dasa
Classification: Uncertain significance. Last evaluated: 2026-03-18. Review status: criteria provided, single submitter. Criteria: DASA Assertion Criteria. Collection method: clinical testing. Allele origin: germline.
Comment: NM_003128.3(SPTBN1):c.1910C>A (p.Ser637Tyr) is a missense variant that results in the substitution of serine with tyrosine. This variant is absent from population databases. The currently available literature and clinical evidence are not sufficient to establish a definitive association between this variant and the reported condition. Therefore, this variant is classified as a variant of uncertain significance.

NM_003128.3(SPTBN1):c.1910C>A (p.Ser637Tyr)

Gene: SPTBN1 (spectrin beta, non-erythrocytic 1; plus strand). Cytogenetic location: 2p16.2.
Variant type: single nucleotide variant.
Coding change: c.1910C>A on transcript NM_003128.3 (MANE Select); coding-DNA position 1910, C replaced by A.
Protein change: p.Ser637Tyr; replaces serine 637 with tyrosine.
Molecular consequence: missense variant.
Genome position (GRCh38, 1-based): chr2:54,629,044, C>A. VCF-style: chr2-54629044-C-A. GRCh37 (hg19) VCF-style: chr2-54856181-C-A.
Other names: c.1871C>A, p.Ser624Tyr (NM_178313.3); short protein forms S624Y, S637Y.
Identifiers: ClinVar variation 4881926 (VCV004881926.2).